The following is an entry in ClinVar:

ClinVar aggregate classification (germline): Likely pathogenic. Review status: criteria provided, multiple submitters, no conflicts (2 of 4 stars). 2 submissions from 2 submitters: Likely pathogenic (2). Last evaluated 2025-06-11.

Submissions (2):

Revvity Omics, Revvity
Classification: Likely pathogenic. Last evaluated: 2025-06-11. Review status: criteria provided, single submitter. Criteria: ACMG Guidelines, 2015. Collection method: clinical testing. Allele origin: germline.

Mayo Clinic Laboratories, Mayo Clinic
Classification: Likely pathogenic. Last evaluated: 2024-06-24. Review status: criteria provided, single submitter. Criteria: ACMG Guidelines, 2015. Collection method: clinical testing. Allele origin: germline. Observed: 1 variant allele.
Comment: PM2, PM5, PM6, PS4_moderate

Literature cited by the submitters: PubMed 26986123 (cited by Mayo Clinic Laboratories, Mayo Clinic); PubMed 28436749 (cited by Mayo Clinic Laboratories, Mayo Clinic).

NM_000552.5(VWF):c.4379T>C (p.Leu1460Pro)

Gene: VWF (von Willebrand factor; minus strand). Cytogenetic location: 12p13.31.
Variant type: single nucleotide variant.
Coding change: c.4379T>C on transcript NM_000552.5 (MANE Select); coding-DNA position 4379, T replaced by C.
Protein change: p.Leu1460Pro; replaces leucine 1460 with proline.
Molecular consequence: missense variant.
Genome position (GRCh38, 1-based): chr12:6,019,039, A>G on the plus strand (T>C on the coding strand, the complement: VWF is on the minus strand). VCF-style: chr12-6019039-A-G. GRCh37 (hg19) VCF-style: chr12-6128205-A-G.
Other names: p.Leu1460Pro; short protein forms L1460P.
Identifiers: ClinVar variation 3381080 (VCV003381080.2).